The following is an entry in ClinVar:

ClinVar aggregate classification (germline): Uncertain significance (1 of 4 stars; one submission).

Conditions:
Symmetrical dyschromatosis of extremities (DSH). Also called: RETICULATE ACROPIGMENTATION OF DOHI; SYMMETRIC DYSCHROMATOSIS OF THE EXTREMITIES; Dyschromatosis symmetrica hereditaria; DYSCHROMATOSIS SYMMETRICA HEREDITARIA 1. Identifiers: Orphanet 41, MedGen C0406775, MONDO:0007483, OMIM 127400.
Aicardi-Goutieres syndrome 6 (AGS6). Identifiers: Orphanet 51, MedGen C3539013, MONDO:0014007, OMIM 615010.

Allele frequency attached by ClinVar (database versions not stated): ExAC 0.00001; gnomAD exomes 0.00001 and 0.00002; gnomAD 0.00005 and 0.00006; TOPMed 0.00005.
gnomAD v4.1: 17 of 1,613,870 alleles (0.0011%); highest among the groups gnomAD compares: African/African-American, 0.017%; no homozygotes.

Submission:

Labcorp Genetics (formerly Invitae), Labcorp
Classification: Uncertain significance for Aicardi-Goutieres syndrome 6; Symmetrical dyschromatosis of extremities. Last evaluated: 2025-09-23. Review status: criteria provided, single submitter. Criteria: Invitae Variant Classification Sherloc (09022015). Collection method: clinical testing. Allele origin: germline.
Comment: This sequence change replaces lysine, which is basic and polar, with arginine, which is basic and polar, at codon 59 of the ADAR protein (p.Lys59Arg). This variant is present in population databases (rs756612053, gnomAD 0.02%). This variant has not been reported in the literature in individuals affected with ADAR-related conditions. ClinVar contains an entry for this variant (Variation ID: 945150). An algorithm developed to predict the effect of missense changes on protein structure and function outputs the following: PolyPhen-2: "Benign". The arginine amino acid residue is found in multiple mammalian species, which suggests that this missense change does not adversely affect protein function. In summary, the available evidence is currently insufficient to determine the role of this variant in disease. Therefore, it has been classified as a Variant of Uncertain Significance.

NM_001111.5(ADAR):c.176A>G (p.Lys59Arg)

Gene: ADAR (adenosine deaminase RNA specific; minus strand). Cytogenetic location: 1q21.3.
Variant type: single nucleotide variant.
Coding change: c.176A>G on transcript NM_001111.5 (MANE Select); coding-DNA position 176, A replaced by G.
Protein change: p.Lys59Arg; replaces lysine 59 with arginine.
Molecular consequence: missense variant. On other transcripts: 5 prime UTR variant (6).
Genome position (GRCh38, 1-based): chr1:154,602,466, T>C on the plus strand (A>G on the coding strand, the complement: ADAR is on the minus strand). VCF-style: chr1-154602466-T-C. GRCh37 (hg19) VCF-style: chr1-154574942-T-C.
Other names: c.-710A>G (NM_001025107.3, NM_001193495.2, NM_001365048.1); c.203A>G, p.Lys68Arg (NM_001365045.1); c.-574A>G (NM_001365046.1, NM_001365047.1, NM_001365049.1); c.176A>G, p.Lys59Arg (NM_015840.4, NM_015841.4); short protein forms K59R, K68R.
Identifiers: ClinVar variation 945150 (VCV000945150.9), dbSNP rs756612053, ClinGen allele CA1131750.